The following is an entry in ClinVar:

ClinVar aggregate classification (germline): Uncertain significance. Review status: criteria provided, multiple submitters, no conflicts (2 of 4 stars). 2 submissions from 2 submitters: Uncertain significance (2). Last evaluated 2025-07-18.

Conditions:
LAMA3-related disorder. Also called: LAMA3-related disorders; LAMA3-related condition.

gnomAD v4.1: 1 of 1,613,346 alleles (0.000062%); highest among the groups gnomAD compares: Middle Eastern, 0.019%; no homozygotes.

Submissions (2):

PreventionGenetics, part of Exact Sciences
Classification: Uncertain significance for LAMA3-related condition. Last evaluated: 2025-07-18. Review status: criteria provided, single submitter. Criteria: ACMG Guidelines, 2015. Collection method: clinical testing. Allele origin: germline.
Comment: The LAMA3 c.1646+4A>G variant is predicted to interfere with splicing. To our knowledge, this variant has not been reported in the literature or in a large population database (gnomAD), indicating this variant is rare. This variant is predicted to alter splicing based on available splicing prediction programs (SpliceAI, Jaganathan et al. 2019. PubMed ID: 30661751). However, the use of computer prediction programs is not equivalent to functional evidence. An alternate splice site variant within this intron (c.1646+5G>A, reported as c.1478+5G>A) was reported in the compound heterozygous state in an individual with severe junctional epidermolysis bullosa (Chen et al. 2020 PubMed ID: 32484238). Although we suspect that this variant may be pathogenic, at this time, the clinical significance of this variant is uncertain due to the absence of conclusive functional and genetic evidence.

GeneDx
Classification: Uncertain significance. Last evaluated: 2025-06-27. Review status: criteria provided, single submitter. Criteria: GeneDx Variant Classification Process June 2021. Collection method: clinical testing. Allele origin: germline. Affected: yes.
Comment: Not observed at significant frequency in large population cohorts (gnomAD); In silico analysis supports a deleterious effect on splicing; Has not been previously published as pathogenic or benign to our knowledge

NM_198129.4(LAMA3):c.6473+4A>G

Gene: LAMA3 (laminin subunit alpha 3; plus strand). Cytogenetic location: 18q11.2.
Variant type: single nucleotide variant.
Coding change: c.6473+4A>G on transcript NM_198129.4 (MANE Select); 4 bases into the intron after coding-DNA position 6473, A replaced by G.
Molecular consequence: intron variant.
Genome position (GRCh38, 1-based): chr18:23,904,091, A>G. VCF-style: chr18-23904091-A-G. GRCh37 (hg19) VCF-style: chr18-21484055-A-G.
Other names: c.6305+4A>G (NM_001127717.4); c.1646+4A>G (NM_000227.6, NM_000227.4); c.1478+4A>G (NM_001127718.4).
Identifiers: ClinVar variation 4539931 (VCV004539931.2).